The following is an entry in ClinVar:

ClinVar aggregate classification (germline): Uncertain significance. Review status: criteria provided, multiple submitters, no conflicts (2 of 4 stars). 3 submissions from 3 submitters: Uncertain significance (3). Last evaluated 2026-07-07.

Conditions:
Oligodontia-cancer predisposition syndrome. Also called: TOOTH AGENESIS-COLORECTAL CANCER SYNDROME. Identifiers: Orphanet 300576, MedGen C1837750, MONDO:0012075, OMIM 608615. Disease mechanism: loss of function.
Hereditary cancer-predisposing syndrome. Also called: Hereditary Cancer Syndrome; Hereditary neoplastic syndrome; Neoplastic Syndromes, Hereditary; Tumor predisposition. Identifiers: Orphanet 140162, MedGen C0027672, MeSH D009386, MONDO:0015356.

Submissions (3):

Ambry Genetics
Classification: Uncertain significance for Hereditary cancer-predisposing syndrome. Last evaluated: 2026-07-07. Review status: criteria provided, single submitter. Criteria: Ambry Variant Classification Scheme 2023. Collection method: clinical testing. Allele origin: germline.
Comment: The p.Q476E variant (also known as c.1426C>G), located in coding exon 5 of the AXIN2 gene, results from a C to G substitution at nucleotide position 1426. The glutamine at codon 476 is replaced by glutamic acid, an amino acid with highly similar properties. This amino acid position is conserved. In addition, this alteration is predicted to be tolerated by in silico analysis. Based on the available evidence, the clinical significance of this variant remains unclear.

Labcorp Genetics (formerly Invitae), Labcorp
Classification: Uncertain significance for Oligodontia-cancer predisposition syndrome. Last evaluated: 2023-09-17. Review status: criteria provided, single submitter. Criteria: Invitae Variant Classification Sherloc (09022015). Collection method: clinical testing. Allele origin: germline.
Comment: In summary, the available evidence is currently insufficient to determine the role of this variant in disease. Therefore, it has been classified as a Variant of Uncertain Significance. An algorithm developed to predict the effect of missense changes on protein structure and function (PolyPhen-2) suggests that this variant is likely to be tolerated. ClinVar contains an entry for this variant (Variation ID: 2439451). This variant has not been reported in the literature in individuals affected with AXIN2-related conditions. This variant is not present in population databases (gnomAD no frequency). This sequence change replaces glutamine, which is neutral and polar, with glutamic acid, which is acidic and polar, at codon 476 of the AXIN2 protein (p.Gln476Glu).

Revvity Omics, Revvity
Classification: Uncertain significance for Oligodontia-cancer predisposition syndrome. Last evaluated: 2019-06-20. Review status: criteria provided, single submitter. Criteria: ACMG Guidelines, 2015. Collection method: clinical testing. Allele origin: germline.

NM_004655.4(AXIN2):c.1426C>G (p.Gln476Glu)

Gene: AXIN2 (axin 2; minus strand). Cytogenetic location: 17q24.1.
Variant type: single nucleotide variant.
Coding change: c.1426C>G on transcript NM_004655.4 (MANE Select); coding-DNA position 1426, C replaced by G.
Protein change: p.Gln476Glu; replaces glutamine 476 with glutamic acid.
Molecular consequence: missense variant.
Genome position (GRCh38, 1-based): chr17:65,537,610, G>C on the plus strand (C>G on the coding strand, the complement: AXIN2 is on the minus strand). VCF-style: chr17-65537610-G-C. GRCh37 (hg19) VCF-style: chr17-63533728-G-C.
Other names: c.1426C>G, p.Gln476Glu (NM_001363813.1); short protein forms Q476E.
Identifiers: ClinVar variation 2439451 (VCV002439451.7), dbSNP rs2144463053, ClinGen allele CA400677524.